The following is an entry in ClinVar:

NM_001127222.2(CACNA1A):c.1666G>A (p.Gly556Arg)

Gene: CACNA1A (calcium voltage-gated channel subunit alpha1 A; minus strand). Cytogenetic location: 19p13.13.
Variant type: single nucleotide variant.
Coding change: c.1666G>A on transcript NM_001127222.2 (MANE Select); coding-DNA position 1666, G replaced by A.
Protein change: p.Gly556Arg; replaces glycine 556 with arginine.
Molecular consequence: missense variant.
Genome position (GRCh38, 1-based): chr19:13,312,671, C>T on the plus strand (G>A on the coding strand, the complement: CACNA1A is on the minus strand). VCF-style: chr19-13312671-C-T. GRCh37 (hg19) VCF-style: chr19-13423485-C-T.
Other names: c.1669G>A, p.Gly557Arg (NM_001127221.2, NM_001174080.2, NM_023035.3 and 1 more transcripts); short protein forms G556R, G557R.
Identifiers: ClinVar variation 5020392 (VCV005020392.1).

ClinVar aggregate classification (germline): Uncertain significance (1 of 4 stars; one submission).

Submission:

Dasa
Classification: Uncertain significance. Last evaluated: 2026-06-12. Review status: criteria provided, single submitter. Criteria: DASA Assertion Criteria. Collection method: clinical testing. Allele origin: germline.
Comment: NM_001127222.2(CACNA1A):c.1666G>A (p.Gly556Arg) is a missense variant that results in the substitution of glycine with arginine. This variant is rare in population databases. Computational prediction algorithms are consistent with a deleterious effect. The currently available literature and clinical evidence are not sufficient to establish a definitive association between this variant and the reported condition. Therefore, this variant is classified as a variant of uncertain significance.